The following is an entry in ClinVar:

ClinVar aggregate classification (germline): Benign (0 of 4 stars; one submission).

Conditions:
SELENBP1-related disorder. Also called: SELENBP1-related condition.

Allele frequency attached by ClinVar (database versions not stated): gnomAD 0.00865; TOPMed 0.00981; 1000 Genomes Project 0.01078; ESP Exome Variant Server 0.01138; 1000 Genomes Project 30x 0.01202.

Submission:

PreventionGenetics, part of Exact Sciences
Classification: Benign for SELENBP1-related condition. Last evaluated: 2019-08-22. Review status: no assertion criteria provided. Collection method: clinical testing. Allele origin: germline.
Comment: This variant is classified as benign based on ACMG/AMP sequence variant interpretation guidelines (Richards et al. 2015 PMID: 25741868, with internal and published modifications).

NM_003944.4(SELENBP1):c.522G>A (p.Lys174=)

Gene: SELENBP1 (selenium binding protein 1; minus strand). Cytogenetic location: 1q21.3.
Variant type: single nucleotide variant.
Coding change: c.522G>A on transcript NM_003944.4 (MANE Select); coding-DNA position 522, G replaced by A.
Protein change: p.Lys174=; no amino-acid change (lysine 174 retained).
Molecular consequence: synonymous variant.
Genome position (GRCh38, 1-based): chr1:151,366,864, C>T on the plus strand (G>A on the coding strand, the complement: SELENBP1 is on the minus strand). VCF-style: chr1-151366864-C-T. GRCh37 (hg19) VCF-style: chr1-151339340-C-T.
Other names: c.336G>A, p.Lys112= (NM_001258288.2); c.648G>A, p.Lys216= (NM_001258289.2).
Identifiers: ClinVar variation 3053535 (VCV003053535.2), dbSNP rs76846932, ClinGen allele CA1090298.